The following is an entry in ClinVar:

NM_001271938.2(MEGF8):c.2274C>T (p.Ala758=)

Gene: MEGF8 (multiple EGF like domains 8; plus strand). Cytogenetic location: 19q13.2.
Variant type: single nucleotide variant.
Coding change: c.2274C>T on transcript NM_001271938.2 (MANE Select); coding-DNA position 2274, C replaced by T.
Protein change: p.Ala758=; no amino-acid change (alanine 758 retained).
Molecular consequence: synonymous variant. On other transcripts: intron variant (1).
Genome position (GRCh38, 1-based): chr19:42,348,448, C>T. VCF-style: chr19-42348448-C-T. GRCh37 (hg19) VCF-style: chr19-42852600-C-T.
Other names: c.2098-1051C>T (NM_001410.3).
Identifiers: ClinVar variation 3043461 (VCV003043461.2), dbSNP rs1035343089, ClinGen allele CA308631410.

ClinVar aggregate classification (germline): Likely benign (0 of 4 stars; one submission).

Conditions:
MEGF8-related disorder. Also called: MEGF8-related condition.

Allele frequency attached by ClinVar (database versions not stated): TOPMed 0.00002; gnomAD 0.00003.
gnomAD v4.1: 12 of 1,525,638 alleles (0.00079%); highest among the groups gnomAD compares: Admixed American, 0.024%; no homozygotes.

Submission:

PreventionGenetics, part of Exact Sciences
Classification: Likely benign for MEGF8-related condition. Last evaluated: 2019-06-24. Review status: no assertion criteria provided. Collection method: clinical testing. Allele origin: germline.
Comment: This variant is classified as likely benign based on ACMG/AMP sequence variant interpretation guidelines (Richards et al. 2015 PMID: 25741868, with internal and published modifications).